The following is an entry in ClinVar:

ClinVar aggregate classification (germline): Benign (1 of 4 stars; one submission).

Conditions:
Leigh syndrome (NULS). Also called: Leigh's necrotizing encephalopathy; Leigh's disease; Leigh's syndrome; LEIGH SYNDROME, NUCLEAR; Leigh Syndrome (mtDNA deletion); Leigh Disease. Identifiers: Orphanet 506, MedGen C2931891, MONDO:0009723, OMIM 256000.

Submission:

Wong Mito Lab, Molecular and Human Genetics, Baylor College of Medicine
Classification: Benign for Leigh syndrome. Last evaluated: 2019-10-17. Review status: criteria provided, single submitter. Criteria: Modified ACMG Guidelines (Unpublished). Collection method: clinical testing. Allele origin: germline.
Comment: The NC_012920.1:m.13966A>G (YP_003024036.1:p.Thr544Ala) variant in MTND5 gene is interpretated to be a Benign variant based on the modified ACMG guidelines (unpublished). This variant meets the following evidence codes: BA1

NC_012920.1(MT-ND5):m.13966A>G

Gene: MT-ND5 (mitochondrially encoded NADH dehydrogenase 5; plus strand).
Variant type: single nucleotide variant.
Genome position: chrM-13966-A-G.
Identifiers: ClinVar variation 693643 (VCV000693643.1), dbSNP rs41535848, ClinGen allele CA337099877.